The following is an entry in ClinVar:

ClinVar aggregate classification (germline): Uncertain significance (1 of 4 stars; one submission).

Conditions:
Myopathy, centronuclear, 2 (CNM2). Also called: MYOTUBULAR MYOPATHY, AUTOSOMAL RECESSIVE. Identifiers: Orphanet 169186, MedGen CN031787, MONDO:0009709, OMIM 255200.

Submission:

Labcorp Genetics (formerly Invitae), Labcorp
Classification: Uncertain significance for Myopathy, centronuclear, 2. Last evaluated: 2021-06-24. Review status: criteria provided, single submitter. Criteria: Invitae Variant Classification Sherloc (09022015). Collection method: clinical testing. Allele origin: germline.
Comment: This sequence change replaces arginine with glycine at codon 24 of the BIN1 protein (p.Arg24Gly). The arginine residue is highly conserved and there is a moderate physicochemical difference between arginine and glycine. This variant is not present in population databases (ExAC no frequency). This variant has not been reported in the literature in individuals with BIN1-related conditions. Algorithms developed to predict the effect of missense changes on protein structure and function are either unavailable or do not agree on the potential impact of this missense change (SIFT: "Deleterious"; PolyPhen-2: "Possibly Damaging"; Align-GVGD: "Class C0"). In summary, the available evidence is currently insufficient to determine the role of this variant in disease. Therefore, it has been classified as a Variant of Uncertain Significance.

NM_139343.3(BIN1):c.70C>G (p.Arg24Gly)

Gene: BIN1 (bridging integrator 1; minus strand). Cytogenetic location: 2q14.3.
Variant type: single nucleotide variant.
Coding change: c.70C>G on transcript NM_139343.3 (MANE Select); coding-DNA position 70, C replaced by G.
Protein change: p.Arg24Gly; replaces arginine 24 with glycine.
Molecular consequence: missense variant.
Genome position (GRCh38, 1-based): chr2:127,106,874, G>C on the plus strand (C>G on the coding strand, the complement: BIN1 is on the minus strand). VCF-style: chr2-127106874-G-C. GRCh37 (hg19) VCF-style: chr2-127864450-G-C.
Other names: c.70C>G, p.Arg24Gly (NM_001320632.2, NM_001320633.2, NM_001320640.2 and 10 more transcripts); short protein forms R24G.
Identifiers: ClinVar variation 1377751 (VCV001377751.8), dbSNP rs2105378684, ClinGen allele CA348376117.